The following is an entry in ClinVar:

ClinVar aggregate classification (germline): Conflicting classifications of pathogenicity. Review status: criteria provided, conflicting classifications (1 of 4 stars). 8 submissions from 8 submitters: Uncertain significance (6); Likely benign (1). 1 of the submissions does not count toward it. Last evaluated 2025-01-12.

Conditions:
Familial melanoma. Also called: Hereditary melanoma; Hereditary cutaneous melanoma. Identifiers: Orphanet 618, MedGen C1512419, MONDO:0018961.
Hereditary cancer-predisposing syndrome. Also called: Hereditary Cancer Syndrome; Tumor predisposition; Hereditary neoplastic syndrome; Neoplastic Syndromes, Hereditary. Identifiers: Orphanet 140162, MedGen C0027672, MeSH D009386, MONDO:0015356.
Melanoma-pancreatic cancer syndrome. Identifiers: Orphanet 404560, MedGen C1838547, MONDO:0011713, OMIM 606719. Disease mechanism: loss of function.

Allele frequency attached by ClinVar (database versions not stated): TOPMed below 0.00001; ExAC 0.00001; gnomAD exomes 0.00001.
gnomAD v4.1: 16 of 1,612,502 alleles (0.00099%); highest among the groups gnomAD compares: Non-Finnish European, 0.0013%; no homozygotes.

Submissions (8):

Labcorp Genetics (formerly Invitae), Labcorp
Classification: Uncertain significance for Familial melanoma. Last evaluated: 2025-01-12. Review status: criteria provided, single submitter. Criteria: Invitae Variant Classification Sherloc (09022015). Collection method: clinical testing. Allele origin: germline.
Comment: This sequence change replaces alanine, which is neutral and non-polar, with threonine, which is neutral and polar, at codon 143 of the CDKN2A (p16INK4a) protein (p.Ala143Thr). This variant is present in population databases (rs754195015, gnomAD 0.002%). This missense change has been observed in individual(s) with melanoma and acute lymphoblastic leukemia (PMID: 17218939, 26104880). ClinVar contains an entry for this variant (Variation ID: 245681). An algorithm developed to predict the effect of missense changes on protein structure and function outputs the following: PolyPhen-2: "Benign". The threonine amino acid residue is found in multiple mammalian species, which suggests that this missense change does not adversely affect protein function. Experimental studies have shown that this missense change does not substantially affect CDKN2A (p16INK4a) function (PMID: 34369425, 35001868). In summary, the available evidence is currently insufficient to determine the role of this variant in disease. Therefore, it has been classified as a Variant of Uncertain Significance.

Ambry Genetics
Classification: Likely benign for Hereditary cancer-predisposing syndrome. Last evaluated: 2023-10-13. Review status: criteria provided, single submitter. Criteria: Ambry Variant Classification Scheme 2023. Collection method: clinical testing. Allele origin: germline.

GeneDx
Classification: Uncertain significance. Last evaluated: 2023-06-22. Review status: criteria provided, single submitter. Criteria: GeneDx Variant Classification Process June 2021. Collection method: clinical testing. Allele origin: germline. Affected: yes.
Comment: Not observed at significant frequency in large population cohorts (gnomAD); In silico analysis supports that this missense variant does not alter protein structure/function; Published functional studies suggest no damaging effect: cell proliferation and susceptibility to leukemic transformation of hematopoietic progenitor cells similar to wild type (Kimura et al., 2022; Li et al., 2022); Observed in an individual with leukemia and in at least three individuals with melanoma (Orlow et al., 2007; Miller et al., 2011; Xu et al., 2015); This variant is associated with the following publications: (PMID: 26104880, 17218939, 9531609, 21462282, 35001868, 35551623, 34369425, 25780468)

Myriad Genetics, Inc.
Classification: Uncertain significance for Melanoma-pancreatic cancer syndrome. Last evaluated: 2023-04-20. Review status: criteria provided, single submitter. Criteria: Myriad Autosomal Dominant, Autosomal Recessive and X-Linked Classification Criteria (2023). Collection method: clinical testing. Allele origin: unknown.
Comment: This variant is classified as a variant of uncertain significance as there is insufficient evidence to determine its impact on protein function and/or cancer risk.

St. Jude Molecular Pathology, St. Jude Children's Research Hospital
Classification: Uncertain significance for Melanoma-pancreatic cancer syndrome. Last evaluated: 2021-10-28. Review status: criteria provided, single submitter. Criteria: St. Jude Assertion Criteria 2020. Collection method: clinical testing. Allele origin: germline.
Comment: The CDKN2A c.427G>A (p.Ala143Thr) missense change has a maximum non-founder subpopulation frequency of 0.0018% in gnomAD v2.1.1. This variant has been reported in an individual with cutaneous melanoma and no family history of melanoma in first-degree relatives (PMID: 17218939), as well as in an individual with B cell acute lymphoblastic leukemia (PMID: 26104880). Six of six in silico tools predict a benign effect of this variant on protein function (BP4), and this variant is located within a region that is not required for the protein to bind and inhibit CDK4 (PMID: 17218939). A functional study to investigate BCR-ABL1-induced leukemic transformation in vitro demonstrated that Ba/F3 cells co-transduced with BCR-ABL1 and p.Ala143Thr mutant p16INK4A behaved similar to Ba/F3 cells co-transduced with BCR-ABL1 and wild-type p16INK4A (PMID: 34369425). In summary, this variant meets criteria to be classified as of uncertain significance based on the ACMG/AMP criteria applied: BP4.

Women's Health and Genetics/Laboratory Corporation of America, LabCorp
Classification: Uncertain significance. Last evaluated: 2018-12-20. Review status: criteria provided, single submitter. Criteria: LabCorp Variant Classification Summary - May 2015. Collection method: clinical testing. Allele origin: germline.
Comment: Variant summary: CDKN2A c.427G>A (p.Ala143Thr) results in a non-conservative amino acid change in the encoded protein sequence. Four of five in-silico tools predict a benign effect of the variant on protein function. The variant allele was found at a frequency of 1.6e-05 in 244352 control chromosomes (gnomAD and publication). The available data on variant occurrences in the general population are insufficient to allow any conclusion about variant significance. c.427G>A has been reported in the literature in individuals affected with melanoma and acute lymphoblastic leukemia (Xu_2015, Miller_2011, Orlow_2007). These reports do not provide unequivocal conclusions about association of the variant with Cutaneous Malignant Melanoma. Three ClinVar submissions from clinical diagnostic laboratories (evaluation after 2014) cite the variant as uncertain significance. Based on the evidence outlined above, the variant was classified as uncertain significance.

Color Diagnostics, LLC DBA Color Health
Classification: Uncertain significance for Hereditary cancer-predisposing syndrome. Last evaluated: 2018-11-13. Review status: criteria provided, single submitter. Criteria: ACMG Guidelines, 2015. Collection method: clinical testing. Allele origin: germline.

Counsyl
Classification: Uncertain significance for Melanoma-pancreatic cancer syndrome. Last evaluated: 2017-02-17. Review status: no assertion criteria provided. Collection method: clinical testing. Allele origin: unknown. Not counted in ClinVar's aggregate classification.

Literature cited by the submitters: PubMed 17218939 (cited by 4 submitters); PubMed 26104880 (cited by 3 submitters); PubMed 34369425 (cited by Labcorp Genetics (formerly Invitae), Labcorp); PubMed 35001868 (cited by Labcorp Genetics (formerly Invitae), Labcorp and Ambry Genetics); PubMed 10854221 (cited by Ambry Genetics and Women's Health and Genetics/Laboratory Corporation of America, LabCorp); PubMed 21462282 (cited by 3 submitters); PubMed 25780468 (cited by Women's Health and Genetics/Laboratory Corporation of America, LabCorp and Counsyl).

NM_000077.5(CDKN2A):c.427G>A (p.Ala143Thr)

Gene: CDKN2A (cyclin dependent kinase inhibitor 2A; minus strand). Cytogenetic location: 9p21.3.
Variant type: single nucleotide variant.
Coding change: c.427G>A on transcript NM_000077.5; coding-DNA position 427, G replaced by A.
Protein change: p.Ala143Thr; replaces alanine 143 with threonine.
Molecular consequence: missense variant (on NM_000077.6). On other transcripts: 3 prime UTR variant (2).
Genome position (GRCh38, 1-based): chr9:21,970,932, C>T on the plus strand (G>A on the coding strand, the complement: CDKN2A is on the minus strand). VCF-style: chr9-21970932-C-T. GRCh37 (hg19) VCF-style: chr9-21970931-C-T.
Other names: c.427G>A, p.Ala143Thr (NM_000077.6, NM_001195132.2); c.274G>A, p.Ala92Thr (NM_001363763.2); c.*71G>A (NM_058195.4); c.*350G>A (NM_058197.5); short protein forms A143T, A92T.
Identifiers: ClinVar variation 245681 (VCV000245681.20), dbSNP rs754195015, ClinGen allele CA5012158.